The following is an entry in ClinVar:

NM_000051.4(ATM):c.4612-2A>C

Gene: ATM (ATM serine/threonine kinase; plus strand). Cytogenetic location: 11q22.3.
Variant type: single nucleotide variant.
Coding change: c.4612-2A>C on transcript NM_000051.4 (MANE Select); the canonical splice acceptor site of the intron before coding-DNA position 4612, A replaced by C.
Molecular consequence: splice acceptor variant.
Genome position (GRCh38, 1-based): chr11:108,293,311, A>C. VCF-style: chr11-108293311-A-C. GRCh37 (hg19) VCF-style: chr11-108164038-A-C.
Other names: c.4612-2A>C (NM_001351834.2).
Identifiers: ClinVar variation 552373 (VCV000552373.5), dbSNP rs1555100347, ClinGen allele CA382534556.

ClinVar aggregate classification (germline): Conflicting classifications of pathogenicity. Review status: criteria provided, conflicting classifications (1 of 4 stars). 4 submissions from 4 submitters: Likely pathogenic (1); Uncertain significance (2). 1 of the submissions does not count toward it. Last evaluated 2024-02-26.

Conditions:
Lung cancer. Also called: Malignant tumor of lung; Lung cancer, somatic. Identifiers: MedGen C0242379, MONDO:0008903, OMIM 211980.
Hereditary breast ovarian cancer syndrome. Also called: BRCA1- and BRCA2-Associated Hereditary Breast and Ovarian Cancer; Hereditary breast and ovarian cancer; Hereditary breast and ovarian cancer syndrome (HBOC); Breast and ovarian cancer; Hereditary breast and/or ovarian cancer syndrome; Hereditary breast and ovarian cancer syndrome. Identifiers: Orphanet 145, MedGen C0677776, MeSH D061325, MONDO:0003582. Disease mechanism: loss of function.
Familial cancer of breast. Also called: hereditary breast carcinoma; BREAST CANCER, FAMILIAL; Hereditary breast cancer. Identifiers: Orphanet 227535, MedGen C0346153, MONDO:0016419, OMIM 114480. Disease mechanism: loss of function.
Ataxia-telangiectasia syndrome (AT). Also called: Ataxia-telangiectasia, complementation group D; AT, COMPLEMENTATION GROUP C; Ataxia-telangiectasia, complementation group E; LOUIS-BAR SYNDROME; Cerebello-oculocutaneous telangiectasia; Immunodeficiency with ataxia telangiectasia. Identifiers: Orphanet 100, MedGen C0004135, MONDO:0008840, OMIM 208900.

Allele frequency attached by ClinVar (database versions not stated): gnomAD exomes below 0.00001.
gnomAD v4.1: 1 of 1,489,448 alleles (0.000067%); highest among the groups gnomAD compares: Non-Finnish European, 0.000092%; no homozygotes.

Submissions (4):

Myriad Genetics, Inc.
Classification: Likely pathogenic for Familial cancer of breast. Last evaluated: 2024-02-26. Review status: criteria provided, single submitter. Criteria: Myriad Autosomal Dominant, Autosomal Recessive and X-Linked Classification Criteria (2023). Collection method: clinical testing. Allele origin: unknown.
Comment: This variant is considered likely pathogenic. This variant occurs within a consensus splice junction and is predicted to result in abnormal mRNA splicing of either an out-of-frame exon or an in-frame exon necessary for protein stability and/or normal function.

German Consortium for Hereditary Breast and Ovarian Cancer, University Hospital Cologne
Classification: Uncertain significance for Hereditary breast ovarian cancer syndrome. Last evaluated: 2024-02-15. Review status: criteria provided, single submitter. Criteria: ClinGen ATM V1.1.0. Collection method: curation. Allele origin: germline.
Comment: According to the ClinGen ACMG ATM v1.1.0 criteria we chose these criteria: PVS1 (strong pathogenic): VCEP ATM 1.1 PVS1_str - list B, PM2 (supporting pathogenic): not found in gnomAD

Institute of Medical Genetics and Applied Genomics, University Hospital Tübingen
Classification: Uncertain significance for Lung cancer. Last evaluated: 2023-11-20. Review status: criteria provided, single submitter. Criteria: ACMG Guidelines, 2015. Collection method: clinical testing. Allele origin: germline. Affected: yes.
Comment: Whole exome RNA sequencing analysis conducted on a metastasized tumor specimen extracted from a non-small cell lung cancer patient, featuring 40-50% tumor content, reveals sequencing reads skipping exon 32, with an in-frame fusion of exon 31 and exon 33 providing compelling evidence for Exon Skipping event due to the germline splice acceptor variant ATM c.4612-2A>C. Therefore, we categorize this splice acceptor variant ATM c.4612-2A>C, p.? as a splice variant of uncertain significance, denoted as Class 3.

Counsyl
Classification: Likely pathogenic for Ataxia-telangiectasia syndrome. Last evaluated: 2017-06-08. Review status: no assertion criteria provided. Collection method: clinical testing. Allele origin: unknown. Not counted in ClinVar's aggregate classification.